The following is an entry in ClinVar:

NM_006514.4(SCN10A):c.3682-66T>C

Gene: SCN10A (sodium voltage-gated channel alpha subunit 10; minus strand). Cytogenetic location: 3p22.2.
Variant type: single nucleotide variant.
Coding change: c.3682-66T>C on transcript NM_006514.4 (MANE Select); 66 bases into the intron before coding-DNA position 3682, T replaced by C.
Molecular consequence: intron variant.
Genome position (GRCh38, 1-based): chr3:38,714,146, A>G on the plus strand (T>C on the coding strand, the complement: SCN10A is on the minus strand). VCF-style: chr3-38714146-A-G. GRCh37 (hg19) VCF-style: chr3-38755637-A-G.
Other names: c.3388-66T>C (NM_001293307.2); c.3679-66T>C (NM_001293306.2).
Identifiers: ClinVar variation 674526 (VCV000674526.2), dbSNP rs6793226, ClinGen allele CA72951210.
Genomic context (GRCh38, chr3:38,714,146, plus strand): 5'-TGCAGGAGAGGGCAGAAACATCACTCTAGGTTTCCAGAAAGGCAGTCCTCGTGGAAGGAG[A>G]CAGGAACTCCCTGCCCAGCCTCCCATTCCTACACGTCTAAGCCATCATCCTAGCTCCCAC-3'

ClinVar aggregate classification (germline): Benign. Review status: criteria provided, multiple submitters, no conflicts (2 of 4 stars). 2 submissions from 2 submitters: Benign (2). Last evaluated 2018-06-14.

Allele frequency attached by ClinVar (database versions not stated): gnomAD exomes 0.01869; gnomAD 0.07115 and 0.07600; 1000 Genomes Project 0.07408; 1000 Genomes Project 30x 0.07776; TOPMed 0.08099.
gnomAD v4.1: 38,158 of 1,591,810 alleles (2.4%); highest among the groups gnomAD compares: African/African-American, 23%; 2,238 homozygotes.

Submissions (2):

GeneDx
Classification: Benign. Last evaluated: 2018-06-14. Review status: criteria provided, single submitter. Criteria: GeneDx Variant Classification (06012015). Collection method: clinical testing. Allele origin: germline. Affected: yes.
Comment: This variant is considered likely benign or benign based on one or more of the following criteria: it is a conservative change, it occurs at a poorly conserved position in the protein, it is predicted to be benign by multiple in silico algorithms, and/or has population frequency not consistent with disease.

Breakthrough Genomics
Classification: Benign. Review status: criteria provided, single submitter. Criteria: ACMG Guidelines, 2015. Collection method: not provided. Allele origin: germline. Inheritance: Autosomal dominant inheritance. Affected: yes.